The following is an entry in ClinVar:

NM_003072.5(SMARCA4):c.3169-8C>T

Gene: SMARCA4 (SWI/SNF related BAF chromatin remodeling complex subunit ATPase 4; plus strand). Cytogenetic location: 19p13.2.
Variant type: single nucleotide variant.
Coding change: c.3169-8C>T on transcript NM_003072.5 (MANE Select); 8 bases into the intron before coding-DNA position 3169, C replaced by T.
Molecular consequence: intron variant.
Genome position (GRCh38, 1-based): chr19:11,026,292, C>T. VCF-style: chr19-11026292-C-T. GRCh37 (hg19) VCF-style: chr19-11136968-C-T.
Other names: c.3169-8C>T (NM_001128844.3, NM_001128849.3, NM_001128847.4 and 5 more transcripts).
Identifiers: ClinVar variation 537849 (VCV000537849.11), dbSNP rs1555781041, ClinGen allele CA658799126.

ClinVar aggregate classification (germline): Likely benign. Review status: criteria provided, multiple submitters, no conflicts (2 of 4 stars). 2 submissions from 2 submitters: Likely benign (2). Last evaluated 2026-07-07.

Conditions:
Rhabdoid tumor predisposition syndrome 2 (RTPS2). Identifiers: Orphanet 231108, Orphanet 69077, MedGen C2750074, MONDO:0013224, OMIM 613325.

Allele frequency attached by ClinVar (database versions not stated): gnomAD exomes below 0.00001.
gnomAD v4.1: 2 of 1,613,194 alleles (0.00012%); highest among the groups gnomAD compares: Admixed American, 0.0017%; no homozygotes.

Submissions (2):

Myriad Genetics, Inc.
Classification: Likely benign for Rhabdoid tumor predisposition syndrome 2. Last evaluated: 2026-07-07. Review status: criteria provided, single submitter. Criteria: Myriad Autosomal Dominant, Autosomal Recessive and X-Linked Classification Criteria (2023). Collection method: clinical testing. Allele origin: unknown.
Comment: This variant is considered likely benign. This variant is intronic and is not expected to impact mRNA splicing.

Labcorp Genetics (formerly Invitae), Labcorp
Classification: Likely benign for Rhabdoid tumor predisposition syndrome 2. Last evaluated: 2025-07-30. Review status: criteria provided, single submitter. Criteria: Invitae Variant Classification Sherloc (09022015). Collection method: clinical testing. Allele origin: germline.